The following is an entry in ClinVar:

ClinVar aggregate classification (germline): Uncertain significance. Review status: criteria provided, multiple submitters, no conflicts (2 of 4 stars). 2 submissions from 2 submitters: Uncertain significance (2). Last evaluated 2023-09-11.

Conditions:
Developmental and epileptic encephalopathy, 69. Also called: EPILEPTIC ENCEPHALOPATHY, EARLY INFANTILE, 69. Identifiers: MedGen C4748988, MONDO:0032657, OMIM 618285.

Allele frequency attached by ClinVar (database versions not stated): gnomAD 0.00001; TOPMed 0.00001; gnomAD exomes 0.00003.
gnomAD v4.1: 35 of 1,548,424 alleles (0.0023%); highest among the groups gnomAD compares: Non-Finnish European, 0.0031%; no homozygotes.

Submissions (2):

ARUP Laboratories, Molecular Genetics and Genomics, ARUP Laboratories
Classification: Uncertain significance for Developmental and epileptic encephalopathy, 69. Last evaluated: 2023-09-11. Review status: criteria provided, single submitter. Criteria: ARUP Molecular Germline Variant Investigation Process 2024. Collection method: clinical testing. Allele origin: germline.
Comment: Due to limited information, including a lack of clinical and/or functional data and an uninformative population frequency, the clinical significance of this variant is uncertain at this time.

Labcorp Genetics (formerly Invitae), Labcorp
Classification: Uncertain significance. Last evaluated: 2023-01-03. Review status: criteria provided, single submitter. Criteria: Invitae Variant Classification Sherloc (09022015). Collection method: clinical testing. Allele origin: germline.
Comment: In summary, the available evidence is currently insufficient to determine the role of this variant in disease. Therefore, it has been classified as a Variant of Uncertain Significance. This sequence change replaces glutamine, which is neutral and polar, with arginine, which is basic and polar, at codon 784 of the CACNA1E protein (p.Gln784Arg). This variant is present in population databases (no rsID available, gnomAD 0.002%). This variant has not been reported in the literature in individuals affected with CACNA1E-related conditions. Advanced modeling of protein sequence and biophysical properties (such as structural, functional, and spatial information, amino acid conservation, physicochemical variation, residue mobility, and thermodynamic stability) has been performed at Invitae for this missense variant, however the output from this modeling did not meet the statistical confidence thresholds required to predict the impact of this variant on CACNA1E protein function.

NM_001205293.3(CACNA1E):c.2351A>G (p.Gln784Arg)

Gene: CACNA1E (calcium voltage-gated channel subunit alpha1 E; plus strand). Cytogenetic location: 1q25.3.
Variant type: single nucleotide variant.
Coding change: c.2351A>G on transcript NM_001205293.3 (MANE Select); coding-DNA position 2351, A replaced by G.
Protein change: p.Gln784Arg; replaces glutamine 784 with arginine.
Molecular consequence: missense variant.
Genome position (GRCh38, 1-based): chr1:181,732,437, A>G. VCF-style: chr1-181732437-A-G. GRCh37 (hg19) VCF-style: chr1-181701573-A-G.
Other names: c.2351A>G, p.Gln784Arg (NM_000721.4); c.2294A>G, p.Gln765Arg (NM_001205294.2); short protein forms Q765R, Q784R.
Identifiers: ClinVar variation 2871777 (VCV002871777.3), dbSNP rs1348405478, ClinGen allele CA343617078.